The following is an entry in ClinVar:

ClinVar aggregate classification (germline): Conflicting classifications of pathogenicity. Review status: criteria provided, conflicting classifications (1 of 4 stars). 8 submissions from 8 submitters: Uncertain significance (1); Benign (1); Likely benign (5). 1 of the submissions does not count toward it. Last evaluated 2025-05-14.

Conditions:
Hereditary cancer-predisposing syndrome. Also called: Neoplastic Syndromes, Hereditary; Tumor predisposition; Hereditary Cancer Syndrome; Hereditary neoplastic syndrome. Identifiers: Orphanet 140162, MedGen C0027672, MeSH D009386, MONDO:0015356.
Tuberous sclerosis 2 (TSC2). Identifiers: Orphanet 805, MedGen C1860707, MONDO:0013199, OMIM 613254.
Tuberous sclerosis syndrome (TSC). Also called: Tuberous Sclerosis Complex; Tuberous sclerosis. Identifiers: Orphanet 805, MedGen C0041341, MONDO:0001734.

Allele frequency attached by ClinVar (database versions not stated): gnomAD exomes below 0.00001; TOPMed below 0.00001.
gnomAD v4.1: 4 of 1,613,892 alleles (0.00025%); highest among the groups gnomAD compares: Admixed American, 0.0017%; no homozygotes.

Submissions (8):

Myriad Genetics, Inc.
Classification: Benign for Tuberous sclerosis 2. Last evaluated: 2025-05-14. Review status: criteria provided, single submitter. Criteria: Myriad Autosomal Dominant, Autosomal Recessive and X-Linked Classification Criteria (2023). Collection method: clinical testing. Allele origin: unknown.
Comment: This variant is considered benign. This variant is a silent/synonymous amino acid change and it is not expected to impact splicing.

Labcorp Genetics (formerly Invitae), Labcorp
Classification: Likely benign for Tuberous sclerosis 2. Last evaluated: 2025-03-15. Review status: criteria provided, single submitter. Criteria: Invitae Variant Classification Sherloc (09022015). Collection method: clinical testing. Allele origin: germline.

All of Us Research Program, National Institutes of Health
Classification: Likely benign for Tuberous sclerosis syndrome. Last evaluated: 2024-08-13. Review status: criteria provided, single submitter. Criteria: ACMG Guidelines, 2015. Collection method: clinical testing. Allele origin: germline. Inheritance: Autosomal dominant inheritance. Observed: 1 variant allele, 1 heterozygote.
Comment: This study involves interpretation of variants in research participants for the purpose of population health screening. Participant phenotype was not available at the time of variant classification. Additional details can be found in publication PMID: 35346344, PMCID: PMC8962531

Genome-Nilou Lab
Classification: Likely benign for Tuberous sclerosis 2. Last evaluated: 2021-11-07. Review status: criteria provided, single submitter. Criteria: ACMG Guidelines, 2015. Collection method: clinical testing. Allele origin: germline. Affected: no.

GeneDx
Classification: Likely benign. Last evaluated: 2020-02-27. Review status: criteria provided, single submitter. Criteria: GeneDx Variant Classification Process June 2021. Collection method: clinical testing. Allele origin: germline. Affected: yes.

Ambry Genetics
Classification: Likely benign for Hereditary cancer-predisposing syndrome. Last evaluated: 2019-06-12. Review status: criteria provided, single submitter. Criteria: Ambry Variant Classification Scheme 2023. Collection method: clinical testing. Allele origin: germline.

Illumina Laboratory Services, Illumina
Classification: Uncertain significance for Tuberous sclerosis syndrome. Last evaluated: 2017-04-27. Review status: criteria provided, single submitter. Criteria: ICSL Variant Classification Criteria 13 December 2019. Collection method: clinical testing. Allele origin: germline.

Tuberous sclerosis database (TSC2)
No classification provided. Condition: TSC. Review status: no classification provided. Criteria: Tuberous Sclerosis Database Assertion Criteria 2015. Collection method: curation. Allele origin: germline. Affected: yes. Not counted in ClinVar's aggregate classification.

NM_000548.5(TSC2):c.1479C>T (p.Leu493=)

Gene: TSC2 (TSC complex subunit 2; plus strand). Cytogenetic location: 16p13.3.
Variant type: single nucleotide variant.
Coding change: c.1479C>T on transcript NM_000548.5 (MANE Select); coding-DNA position 1479, C replaced by T.
Protein change: p.Leu493=; no amino-acid change (leucine 493 retained).
Molecular consequence: synonymous variant.
Genome position (GRCh38, 1-based): chr16:2,064,307, C>T. VCF-style: chr16-2064307-C-T. GRCh37 (hg19) VCF-style: chr16-2114308-C-T.
Other names: c.1479C>T, p.Leu493= (NM_001077183.3, NM_001114382.3, NM_001363528.2 and 3 more transcripts); c.1368C>T, p.Leu456= (NM_001318827.2); c.1332C>T, p.Leu444= (NM_001318829.2); c.879C>T, p.Leu293= (NM_001318831.2); c.1512C>T, p.Leu504= (NM_001318832.2).
Identifiers: ClinVar variation 49635 (VCV000049635.26), dbSNP rs137854145, ClinGen allele CA014952.